The following is an entry in ClinVar:

ClinVar aggregate classification (germline): Uncertain significance (1 of 4 stars; one submission).

Submission:

Labcorp Genetics (formerly Invitae), Labcorp
Classification: Uncertain significance. Last evaluated: 2023-06-02. Review status: criteria provided, single submitter. Criteria: Invitae Variant Classification Sherloc (09022015). Collection method: clinical testing. Allele origin: germline.
Comment: This variant is not present in population databases (gnomAD no frequency). In summary, the available evidence is currently insufficient to determine the role of this variant in disease. Therefore, it has been classified as a Variant of Uncertain Significance. Advanced modeling of protein sequence and biophysical properties (such as structural, functional, and spatial information, amino acid conservation, physicochemical variation, residue mobility, and thermodynamic stability) performed at Invitae indicates that this missense variant is expected to disrupt APOA1 protein function. This variant is also known as p.R151C. This missense change has been observed in individual(s) with clinical features of APOA1-related conditions (PMID: 9051205). This sequence change replaces arginine, which is basic and polar, with cysteine, which is neutral and slightly polar, at codon 175 of the APOA1 protein (p.Arg175Cys).

Literature cited by the submitters: PubMed 9051205.

NM_000039.3(APOA1):c.523C>T (p.Arg175Cys)

Gene: APOA1 (apolipoprotein A1; minus strand). Cytogenetic location: 11q23.3.
Variant type: single nucleotide variant.
Coding change: c.523C>T on transcript NM_000039.3 (MANE Select); coding-DNA position 523, C replaced by T.
Protein change: p.Arg175Cys; replaces arginine 175 with cysteine.
Molecular consequence: missense variant.
Genome position (GRCh38, 1-based): chr11:116,836,089, G>A on the plus strand (C>T on the coding strand, the complement: APOA1 is on the minus strand). VCF-style: chr11-116836089-G-A. GRCh37 (hg19) VCF-style: chr11-116706805-G-A.
Other names: c.523C>T, p.Arg175Cys (NM_001318017.2, NM_001318018.2, NM_001425090.1); c.196C>T, p.Arg66Cys (NM_001318021.2, NM_001425091.1, NM_001425092.1); c.478C>T, p.Arg160Cys (NM_001425093.1); short protein forms R175C, R160C, R66C.
Identifiers: ClinVar variation 2780235 (VCV002780235.3), dbSNP rs1418355699, ClinGen allele CA382715344.